The following is an entry in ClinVar:

ClinVar aggregate classification (germline): Uncertain significance (1 of 4 stars; one submission).

Conditions:
Renal cell carcinoma. Identifiers: Orphanet 217071, MedGen C0007134, MeSH D002292, MONDO:0005086, HP:0005584.

Submission:

Labcorp Genetics (formerly Invitae), Labcorp
Classification: Uncertain significance for Renal cell carcinoma. Last evaluated: 2024-05-15. Review status: criteria provided, single submitter. Criteria: Invitae Variant Classification Sherloc (09022015). Collection method: clinical testing. Allele origin: germline.
Comment: This sequence change falls in intron 16 of the MET gene. It does not directly change the encoded amino acid sequence of the MET protein. This variant is not present in population databases (gnomAD no frequency). This variant has not been reported in the literature in individuals affected with MET-related conditions. Algorithms developed to predict the effect of sequence changes on RNA splicing suggest that this variant may disrupt the consensus splice site. In summary, the available evidence is currently insufficient to determine the role of this variant in disease. Therefore, it has been classified as a Variant of Uncertain Significance.

NM_000245.4(MET):c.3341-6T>A

Gene: MET (MET proto-oncogene, receptor tyrosine kinase; plus strand). Cytogenetic location: 7q31.2.
Variant type: single nucleotide variant.
Coding change: c.3341-6T>A on transcript NM_000245.4 (MANE Select); 6 bases into the intron before coding-DNA position 3341, T replaced by A.
Molecular consequence: intron variant.
Genome position (GRCh38, 1-based): chr7:116,778,770, T>A. VCF-style: chr7-116778770-T-A. GRCh37 (hg19) VCF-style: chr7-116418824-T-A.
Other names: c.3395-6T>A (NM_001127500.3); c.2051-6T>A (NM_001324402.2).
Identifiers: ClinVar variation 3653424 (VCV003653424.2).